The following is an entry in ClinVar:

NM_000018.4(ACADVL):c.1045G>A (p.Ala349Thr)

Gene: ACADVL (acyl-CoA dehydrogenase very long chain; plus strand). Cytogenetic location: 17p13.1.
Variant type: single nucleotide variant.
Coding change: c.1045G>A on transcript NM_000018.4 (MANE Select); coding-DNA position 1045, G replaced by A.
Protein change: p.Ala349Thr; replaces alanine 349 with threonine.
Molecular consequence: missense variant.
Genome position (GRCh38, 1-based): chr17:7,222,833, G>A. VCF-style: chr17-7222833-G-A. GRCh37 (hg19) VCF-style: chr17-7126152-G-A.
Other names: c.979G>A, p.Ala327Thr (NM_001033859.3); c.1114G>A, p.Ala372Thr (NM_001270447.2); c.817G>A, p.Ala273Thr (NM_001270448.2); c.1045G>A (NM_000018.2); short protein forms A327T, A349T, A372T, A273T.
Identifiers: ClinVar variation 932870 (VCV000932870.10), dbSNP rs1567565733, ClinGen allele CA397724230.

ClinVar aggregate classification (germline): Conflicting classifications of pathogenicity. Review status: criteria provided, conflicting classifications (1 of 4 stars). 4 submissions from 4 submitters: Likely pathogenic (2); Uncertain significance (2). Last evaluated 2026-03-11.

Conditions:
Very long chain acyl-CoA dehydrogenase deficiency (ACADVLD). Also called: VLCAD Deficiency; Very Long-Chain Acyl-Coenzyme A Dehydrogenase Deficiency. Identifiers: Orphanet 26793, MedGen C3887523, MONDO:0008723, OMIM 201475.

Allele frequency attached by ClinVar (database versions not stated): gnomAD 0.00001; TOPMed below 0.00001.
gnomAD v4.1: 2 of 1,613,010 alleles (0.00012%); highest among the groups gnomAD compares: Non-Finnish European, 0.00017%; no homozygotes.

Submissions (4):

GeneDx
Classification: Likely pathogenic. Last evaluated: 2026-03-11. Review status: criteria provided, single submitter. Criteria: GeneDx Variant Classification Process June 2021. Collection method: clinical testing. Allele origin: germline.
Comment: Not observed at significant frequency in large population cohorts (gnomAD); In silico analysis suggests this variant may impact gene splicing. In the absence of RNA/functional studies, the actual effect of this sequence change is unknown.; In silico analysis suggests that this missense variant does not alter protein structure/function; Has not been previously published as pathogenic or benign to our knowledge

Labcorp Genetics (formerly Invitae), Labcorp
Classification: Uncertain significance for Very long chain acyl-CoA dehydrogenase deficiency. Last evaluated: 2024-11-11. Review status: criteria provided, single submitter. Criteria: Invitae Variant Classification Sherloc (09022015). Collection method: clinical testing. Allele origin: germline.
Comment: This sequence change replaces alanine, which is neutral and non-polar, with threonine, which is neutral and polar, at codon 349 of the ACADVL protein (p.Ala349Thr). This variant is not present in population databases (gnomAD no frequency). This variant has not been reported in the literature in individuals affected with ACADVL-related conditions. ClinVar contains an entry for this variant (Variation ID: 932870). Invitae Evidence Modeling of protein sequence and biophysical properties (such as structural, functional, and spatial information, amino acid conservation, physicochemical variation, residue mobility, and thermodynamic stability) indicates that this missense variant is not expected to disrupt ACADVL protein function with a negative predictive value of 80%. In summary, the available evidence is currently insufficient to determine the role of this variant in disease. Therefore, it has been classified as a Variant of Uncertain Significance.

Baylor Genetics
Classification: Likely pathogenic for Very long chain acyl-CoA dehydrogenase deficiency. Last evaluated: 2022-10-12. Review status: criteria provided, single submitter. Criteria: ACMG Guidelines, 2015. Collection method: clinical testing. Allele origin: unknown.

Wong Mito Lab, Molecular and Human Genetics, Baylor College of Medicine
Classification: Uncertain significance for Very long chain acyl-CoA dehydrogenase deficiency. Last evaluated: 2019-11-01. Review status: criteria provided, single submitter. Criteria: ACMG Guidelines, 2015. Collection method: clinical testing. Allele origin: germline.
Comment: The NM_000018.3:c.1045G>A (NP_000009.1:p.Ala349Thr) [GRCH38: NC_000017.11:g.7222833G>A] variant in ACADVL gene is interpretated to be Uncertain Significance based on ACMG guidelines (PMID: 25741868). This variant has been reported. This variant meets the following evidence codes reported in the ACMG guidelines: BP4